The following is an entry in ClinVar:

NM_002618.4(PEX13):c.-9G>T

Genes: PEX13 (peroxisomal biogenesis factor 13; plus strand), PUS10 (pseudouridine synthase 10; minus strand). Cytogenetic location: 2p15.
Variant type: single nucleotide variant.
Coding change: c.-9G>T on transcript NM_002618.4 (MANE Select); 9 bases upstream of the start codon, G replaced by T.
Molecular consequence: 5 prime UTR variant. On other transcripts: intron variant (2).
Genome position (GRCh38, 1-based): chr2:61,017,751, G>T. VCF-style: chr2-61017751-G-T. GRCh37 (hg19) VCF-style: chr2-61244886-G-T.
Other names: c.-16+257C>A (NM_144709.4); c.-623+257C>A (NM_001322127.1).
Identifiers: ClinVar variation 5000769 (VCV005000769.1).

ClinVar aggregate classification (germline): Likely benign (1 of 4 stars; one submission).

Conditions:
PEX13-related disorder. Also called: PEX13-related condition; PEX13-related disorders.

gnomAD v4.1: 3 of 1,548,604 alleles (0.00019%); highest among the groups gnomAD compares: Non-Finnish European, 0.000087%; no homozygotes.

Submission:

PreventionGenetics, part of Exact Sciences
Classification: Likely benign for PEX13-related condition. Last evaluated: 2026-04-21. Review status: criteria provided, single submitter. Criteria: ACMG Guidelines, 2015. Collection method: clinical testing. Allele origin: germline.
Comment: This variant is classified as likely benign based on ACMG/AMP sequence variant interpretation guidelines (Richards et al. 2015 PMID: 25741868, with internal and published modifications).